The following is an entry in ClinVar:

ClinVar aggregate classification (germline): Pathogenic (1 of 4 stars; one submission).

Submission:

GeneDx
Classification: Pathogenic. Last evaluated: 2019-07-03. Review status: criteria provided, single submitter. Criteria: GeneDx Variant Classification (06012015). Collection method: clinical testing. Allele origin: germline. Affected: yes.
Comment: Mobile element insertions, including retrotransposon-mediated events such as L1 inserts, are estimated to account for 1 in 600 disease causing variants (Kazazian, 1999). Has not been previously reported as pathogenic or benign to our knowledge. Not observed in large population cohorts (Database of Genomic Variants). We interpret this as a Pathogenic Variant.

NM_000276.3(OCRL):c.2557_2558insLINE1

Gene: OCRL (OCRL inositol polyphosphate-5-phosphatase; plus strand). Cytogenetic location: Xq26.1.
Variant type: Insertion.
Coding change: c.2557_2558insLINE1 on transcript NM_000276.3; coding-DNA positions 2557 to 2558, an insertion.
Other names: NM_000276.3:c.2557_2558insL1.
Identifiers: ClinVar variation 804207 (VCV000804207.1).